The following is an entry in ClinVar:

NM_020778.5(ALPK3):c.5080A>G (p.Thr1694Ala)

Gene: ALPK3 (alpha kinase 3; plus strand). Cytogenetic location: 15q25.3.
Variant type: single nucleotide variant.
Coding change: c.5080A>G on transcript NM_020778.5 (MANE Select); coding-DNA position 5080, A replaced by G.
Protein change: p.Thr1694Ala; replaces threonine 1694 with alanine.
Molecular consequence: missense variant.
Genome position (GRCh38, 1-based): chr15:84,868,418, A>G. VCF-style: chr15-84868418-A-G. GRCh37 (hg19) VCF-style: chr15-85411649-A-G.
Other names: short protein forms T1694A.
Identifiers: ClinVar variation 1749050 (VCV001749050.7), dbSNP rs2505733846, ClinGen allele CA393366433.

ClinVar aggregate classification (germline): Uncertain significance. Review status: criteria provided, multiple submitters, no conflicts (2 of 4 stars). 2 submissions from 2 submitters: Uncertain significance (2). Last evaluated 2025-04-14.

Conditions:
Cardiovascular phenotype. Identifiers: MedGen CN230736.

Allele frequency attached by ClinVar (database versions not stated): gnomAD exomes below 0.00001.
gnomAD v4.1: 4 of 1,611,710 alleles (0.00025%); highest among the groups gnomAD compares: African/African-American, 0.0013%; no homozygotes.

Submissions (2):

Labcorp Genetics (formerly Invitae), Labcorp
Classification: Uncertain significance. Last evaluated: 2025-04-14. Review status: criteria provided, single submitter. Criteria: Invitae Variant Classification Sherloc (09022015). Collection method: clinical testing. Allele origin: germline.
Comment: This sequence change replaces threonine, which is neutral and polar, with alanine, which is neutral and non-polar, at codon 1896 of the ALPK3 protein (p.Thr1896Ala). This variant is not present in population databases (gnomAD no frequency). This variant has not been reported in the literature in individuals affected with ALPK3-related conditions. ClinVar contains an entry for this variant (Variation ID: 1749050). Invitae Evidence Modeling of protein sequence and biophysical properties (such as structural, functional, and spatial information, amino acid conservation, physicochemical variation, residue mobility, and thermodynamic stability) indicates that this missense variant is not expected to disrupt ALPK3 protein function with a negative predictive value of 80%. In summary, the available evidence is currently insufficient to determine the role of this variant in disease. Therefore, it has been classified as a Variant of Uncertain Significance.

Ambry Genetics
Classification: Uncertain significance for Cardiovascular phenotype. Last evaluated: 2021-10-13. Review status: criteria provided, single submitter. Criteria: Ambry Variant Classification Scheme 2023. Collection method: clinical testing. Allele origin: germline.
Comment: The p.T1896A variant (also known as c.5686A>G), located in coding exon 14 of the ALPK3 gene, results from an A to G substitution at nucleotide position 5686. The threonine at codon 1896 is replaced by alanine, an amino acid with similar properties. This amino acid position is conserved. In addition, this alteration is predicted to be tolerated by in silico analysis. Since supporting evidence is limited at this time, the clinical significance of this alteration remains unclear.